The following is an entry in ClinVar:

ClinVar aggregate classification (germline): Conflicting classifications of pathogenicity. Review status: criteria provided, conflicting classifications (1 of 4 stars). 5 submissions from 5 submitters: Uncertain significance (1); Benign (1); Likely benign (3). Last evaluated 2026-06-03.

Conditions:
Hereditary cancer-predisposing syndrome. Also called: Neoplastic Syndromes, Hereditary; Hereditary Cancer Syndrome; Hereditary neoplastic syndrome; Tumor predisposition. Identifiers: Orphanet 140162, MedGen C0027672, MeSH D009386, MONDO:0015356.
Gastrointestinal stromal tumor. Also called: Gastrointestinal stromal tumor, somatic; Gastrointestinal stroma tumor. Identifiers: Orphanet 44890, MedGen C0238198, MeSH D046152, MONDO:0011719, OMIM 606764, HP:0100723.

Allele frequency attached by ClinVar (database versions not stated): gnomAD exomes below 0.00001 and 0.00002; ExAC 0.00001; gnomAD 0.00001; TOPMed 0.00002; ESP Exome Variant Server 0.00008.
gnomAD v4.1: 36 of 1,614,064 alleles (0.0022%); highest among the groups gnomAD compares: Non-Finnish European, 0.0031%; no homozygotes.

Submissions (5):

Myriad Genetics, Inc.
Classification: Benign for Gastrointestinal stromal tumor. Last evaluated: 2026-06-03. Review status: criteria provided, single submitter. Criteria: Myriad Autosomal Dominant, Autosomal Recessive and X-Linked Classification Criteria (2023). Collection method: clinical testing. Allele origin: unknown.
Comment: This variant is considered benign. This variant is a silent/synonymous amino acid change and it is not expected to impact splicing.

Labcorp Genetics (formerly Invitae), Labcorp
Classification: Likely benign for Gastrointestinal stromal tumor. Last evaluated: 2026-01-20. Review status: criteria provided, single submitter. Criteria: Invitae Variant Classification Sherloc (09022015). Collection method: clinical testing. Allele origin: germline.

GeneDx
Classification: Uncertain significance. Last evaluated: 2023-05-18. Review status: criteria provided, single submitter. Criteria: GeneDx Variant Classification Process June 2021. Collection method: clinical testing. Allele origin: germline. Affected: yes.
Comment: Not observed at significant frequency in large population cohorts (gnomAD); In silico analysis supports that this variant does not alter splicing; Has not been previously published as pathogenic or benign to our knowledge

Blueprint Genetics
Classification: Likely benign. Last evaluated: 2023-04-19. Review status: criteria provided, single submitter. Criteria: ACMG Guidelines, 2015. Collection method: clinical testing. Allele origin: germline.

Ambry Genetics
Classification: Likely benign for Hereditary cancer-predisposing syndrome. Last evaluated: 2018-12-12. Review status: criteria provided, single submitter. Criteria: Ambry Variant Classification Scheme 2023. Collection method: clinical testing. Allele origin: germline.

NM_000222.3(KIT):c.1497G>A (p.Lys499=)

Gene: KIT (KIT proto-oncogene, receptor tyrosine kinase; plus strand). Cytogenetic location: 4q12.
Variant type: single nucleotide variant.
Coding change: c.1497G>A on transcript NM_000222.3 (MANE Select); coding-DNA position 1497, G replaced by A.
Protein change: p.Lys499=; no amino-acid change (lysine 499 retained).
Molecular consequence: synonymous variant.
Genome position (GRCh38, 1-based): chr4:54,726,007, G>A. VCF-style: chr4-54726007-G-A. GRCh37 (hg19) VCF-style: chr4-55592173-G-A.
Other names: c.1497G>A, p.Lys499= (NM_001093772.2, NM_001385285.1, NM_001385286.1); c.1500G>A, p.Lys500= (NM_001385284.1, NM_001385288.1, NM_001385290.1 and 1 more transcripts).
Identifiers: ClinVar variation 458876 (VCV000458876.19), dbSNP rs374432699, ClinGen allele CA2923499.